The following is an entry in ClinVar:

ClinVar aggregate classification (germline): Uncertain significance (1 of 4 stars; one submission).

Conditions:
Hereditary cancer-predisposing syndrome. Also called: Tumor predisposition; Hereditary Cancer Syndrome; Hereditary neoplastic syndrome; Neoplastic Syndromes, Hereditary. Identifiers: Orphanet 140162, MedGen C0027672, MeSH D009386, MONDO:0015356.

Submission:

Ambry Genetics
Classification: Uncertain significance for Hereditary cancer-predisposing syndrome. Last evaluated: 2023-06-23. Review status: criteria provided, single submitter. Criteria: Ambry Variant Classification Scheme 2023. Collection method: clinical testing. Allele origin: germline.
Comment: The p.A1009T variant (also known as c.3025G>A), located in coding exon 26 of the TSC2 gene, results from a G to A substitution at nucleotide position 3025. The alanine at codon 1009 is replaced by threonine, an amino acid with similar properties. This amino acid position is not well conserved in available vertebrate species. In addition, the in silico prediction for this alteration is inconclusive. Since supporting evidence is limited at this time, the clinical significance of this alteration remains unclear.

NM_000548.5(TSC2):c.3025G>A (p.Ala1009Thr)

Gene: TSC2 (TSC complex subunit 2; plus strand). Cytogenetic location: 16p13.3.
Variant type: single nucleotide variant.
Coding change: c.3025G>A on transcript NM_000548.5 (MANE Select); coding-DNA position 3025, G replaced by A.
Protein change: p.Ala1009Thr; replaces alanine 1009 with threonine.
Molecular consequence: missense variant. On other transcripts: non-coding transcript variant (5).
Genome position (GRCh38, 1-based): chr16:2,079,090, G>A. VCF-style: chr16-2079090-G-A. GRCh37 (hg19) VCF-style: chr16-2129091-G-A.
Other names: c.2926G>A, p.Ala976Thr (NM_001318832.2); c.3022G>A, p.Ala1008Thr (NM_001406663.1, NM_001406664.1); c.2896G>A, p.Ala966Thr (NM_001363528.2, NM_001370405.1, NM_021055.3); c.2893G>A, p.Ala965Thr (NM_001370404.1, NM_001077183.3, NM_001406665.1); c.3025G>A, p.Ala1009Thr (NM_001114382.3); c.2785G>A, p.Ala929Thr (NM_001318827.2); c.2749G>A, p.Ala917Thr (NM_001318829.2); c.2293G>A, p.Ala765Thr (NM_001318831.2, NM_001406687.1, NM_001406688.1); and 18 more; short protein forms A1008T, A1009T, A431T, A809T, A917T, A960T, A965T, A995T.
Identifiers: ClinVar variation 2624603 (VCV002624603.2), dbSNP rs45517278, ClinGen allele CA16622077.